The following is an entry in ClinVar:

ClinVar aggregate classification (germline): Likely benign. Review status: criteria provided, multiple submitters, no conflicts (2 of 4 stars). 5 submissions from 5 submitters: Likely benign (5). Last evaluated 2026-01-26.

Conditions:
Cardiovascular phenotype. Identifiers: MedGen CN230736.
Dilated cardiomyopathy 1DD (CMD1DD). Identifiers: Orphanet 154, MedGen C2750995, MONDO:0013168, OMIM 613172.

Allele frequency attached by ClinVar (database versions not stated): gnomAD 0.00011 and 0.00014; TOPMed 0.00014; gnomAD exomes 0.00001 and 0.00002; ExAC 0.00005.
gnomAD v4.1: 26 of 1,550,332 alleles (0.0017%); highest among the groups gnomAD compares: African/African-American, 0.027%; no homozygotes.

Submissions (5):

Labcorp Genetics (formerly Invitae), Labcorp
Classification: Likely benign for Dilated cardiomyopathy 1DD. Last evaluated: 2026-01-26. Review status: criteria provided, single submitter. Criteria: Invitae Variant Classification Sherloc (09022015). Collection method: clinical testing. Allele origin: germline.

Ambry Genetics
Classification: Likely benign for Cardiovascular phenotype. Last evaluated: 2021-04-27. Review status: criteria provided, single submitter. Criteria: Ambry Variant Classification Scheme 2023. Collection method: clinical testing. Allele origin: germline.

Blueprint Genetics
Classification: Likely benign. Last evaluated: 2020-12-23. Review status: criteria provided, single submitter. Criteria: ACMG Guidelines, 2015. Collection method: clinical testing. Allele origin: germline.

Laboratory for Molecular Medicine, Mass General Brigham Personalized Medicine
Classification: Likely benign. Last evaluated: 2014-05-15. Review status: criteria provided, single submitter. Criteria: LMM Criteria. Collection method: clinical testing. Allele origin: germline. Observed: 1 variant allele.
Comment: Pro499Pro in exon 5 of RBM20: This variant is not expected to have clinical sign ificance because it does not alter an amino acid residue and is not located with in the splice consensus sequence.

Breakthrough Genomics
Classification: Likely benign. Review status: criteria provided, single submitter. Criteria: ACMG Guidelines, 2015. Collection method: not provided. Allele origin: germline. Inheritance: Autosomal dominant inheritance. Affected: yes.

NM_001134363.3(RBM20):c.1497C>T (p.Pro499=)

Gene: RBM20 (RNA binding motif protein 20; plus strand). Cytogenetic location: 10q25.2.
Variant type: single nucleotide variant.
Coding change: c.1497C>T on transcript NM_001134363.3 (MANE Select); coding-DNA position 1497, C replaced by T.
Protein change: p.Pro499=; no amino-acid change (proline 499 retained).
Molecular consequence: synonymous variant.
Genome position (GRCh38, 1-based): chr10:110,784,859, C>T. VCF-style: chr10-110784859-C-T. GRCh37 (hg19) VCF-style: chr10-112544617-C-T.
Identifiers: ClinVar variation 179741 (VCV000179741.18), dbSNP rs727505095, ClinGen allele CA185048.